The following is an entry in ClinVar:

NM_206933.4(USH2A):c.8176G>A (p.Gly2726Arg)

Gene: USH2A (usherin; minus strand). Cytogenetic location: 1q41.
Variant type: single nucleotide variant.
Coding change: c.8176G>A on transcript NM_206933.4 (MANE Select); coding-DNA position 8176, G replaced by A.
Protein change: p.Gly2726Arg; replaces glycine 2726 with arginine.
Molecular consequence: missense variant.
Genome position (GRCh38, 1-based): chr1:215,888,473, C>T on the plus strand (G>A on the coding strand, the complement: USH2A is on the minus strand). VCF-style: chr1-215888473-C-T. GRCh37 (hg19) VCF-style: chr1-216061815-C-T.
Other names: short protein forms G2726R.
Identifiers: ClinVar variation 938384 (VCV000938384.10), dbSNP rs1048653046, ClinGen allele CA37442158.
Genomic context (GRCh38, chr1:215,888,473, plus strand): 5'-GTCAGTATCTTACCTGGACTGCATCGGGTTCCAGCACTGTCACCACAGGTGGCTGCACCC[C>T]AGCAGGTCGTGAGGGTCTTGTGGTAACTTCTACCCAAGCACTGCTGTTTGTGCCTCCATG-3'
Protein context (NP_996816.3, residues 2716-2736): EVTTRPSRPA[Gly2726Arg]VQPPVVTVLE

ClinVar aggregate classification (germline): Uncertain significance. Review status: criteria provided, single submitter (1 of 4 stars). 2 submissions from 2 submitters: Uncertain significance (1). 1 of the submissions does not count toward it. Last evaluated 2024-11-11.

Conditions:
Usher syndrome type 2A. Also called: RETINAL DISEASE IN USHER SYNDROME TYPE IIA, MODIFIER OF; USHER SYNDROME, TYPE IIA. Identifiers: Orphanet 231178, Orphanet 886, MedGen C1848634, MONDO:0010169, OMIM 276901.

Allele frequency attached by ClinVar (database versions not stated): gnomAD exomes below 0.00001 and 0.00001; TOPMed 0.00002; gnomAD 0.00003.
gnomAD v4.1: 17 of 1,613,780 alleles (0.0011%); highest among the groups gnomAD compares: African/African-American, 0.02%; no homozygotes.

Submissions (2):

Labcorp Genetics (formerly Invitae), Labcorp
Classification: Uncertain significance. Last evaluated: 2024-11-11. Review status: criteria provided, single submitter. Criteria: Invitae Variant Classification Sherloc (09022015). Collection method: clinical testing. Allele origin: germline.
Comment: This sequence change replaces glycine, which is neutral and non-polar, with arginine, which is basic and polar, at codon 2726 of the USH2A protein (p.Gly2726Arg). This variant is present in population databases (no rsID available, gnomAD 0.01%). This variant has not been reported in the literature in individuals affected with USH2A-related conditions. ClinVar contains an entry for this variant (Variation ID: 938384). Invitae Evidence Modeling of protein sequence and biophysical properties (such as structural, functional, and spatial information, amino acid conservation, physicochemical variation, residue mobility, and thermodynamic stability) indicates that this missense variant is expected to disrupt USH2A protein function with a positive predictive value of 95%. In summary, the available evidence is currently insufficient to determine the role of this variant in disease. Therefore, it has been classified as a Variant of Uncertain Significance.

Natera, Inc.
Classification: Uncertain significance for Usher syndrome type 2A. Last evaluated: 2021-02-10. Review status: no assertion criteria provided. Collection method: clinical testing. Allele origin: germline. Not counted in ClinVar's aggregate classification.